The following is an entry in ClinVar:

ClinVar aggregate classification (germline): Uncertain significance (1 of 4 stars; one submission).

Allele frequency attached by ClinVar (database versions not stated): ExAC 0.00002; gnomAD 0.00003.

Submission:

Labcorp Genetics (formerly Invitae), Labcorp
Classification: Uncertain significance. Last evaluated: 2025-09-23. Review status: criteria provided, single submitter. Criteria: Invitae Variant Classification Sherloc (09022015). Collection method: clinical testing. Allele origin: germline.
Comment: This sequence change replaces threonine, which is neutral and polar, with isoleucine, which is neutral and non-polar, at codon 136 of the C1S protein (p.Thr136Ile). This variant is present in population databases (rs781817367, gnomAD 0.006%). This variant has not been reported in the literature in individuals affected with C1S-related conditions. ClinVar contains an entry for this variant (Variation ID: 1986860). An algorithm developed to predict the effect of missense changes on protein structure and function (PolyPhen-2) suggests that this variant is likely to be tolerated. In summary, the available evidence is currently insufficient to determine the role of this variant in disease. Therefore, it has been classified as a Variant of Uncertain Significance.

NM_001734.5(C1S):c.407C>T (p.Thr136Ile)

Gene: C1S (complement C1s; plus strand). Cytogenetic location: 12p13.31.
Variant type: single nucleotide variant.
Coding change: c.407C>T on transcript NM_001734.5 (MANE Select); coding-DNA position 407, C replaced by T.
Protein change: p.Thr136Ile; replaces threonine 136 with isoleucine.
Molecular consequence: missense variant. On other transcripts: 5 prime UTR variant (1).
Genome position (GRCh38, 1-based): chr12:7,064,282, C>T. VCF-style: chr12-7064282-C-T. GRCh37 (hg19) VCF-style: chr12-7171586-C-T.
Other names: c.-95C>T (NM_001346850.2); c.407C>T, p.Thr136Ile (NM_201442.4); short protein forms T136I.
Identifiers: ClinVar variation 1986860 (VCV001986860.4), dbSNP rs781817367, ClinGen allele CA6423451.
Genomic context (GRCh38, chr12:7,064,282, plus strand): 5'-TCTTGGTGTTTGTTCTTGACCTCAGCCTCTTTCTACTCTTTGTAGACATAAATGAATGCA[C>T]AGATTTTGTAGATGTCCCTTGTAGCCACTTCTGCAACAATTTCATTGGTGGTTACTTCTG-3'
Protein context (NP_001725.1, residues 126-146): YYVATDINEC[Thr136Ile]DFVDVPCSHF